The following is an entry in ClinVar:

ClinVar aggregate classification (germline): Uncertain significance (1 of 4 stars; one submission).

Conditions:
Inborn genetic diseases. Identifiers: MedGen C0950123, MeSH D030342.

Submission:

Ambry Genetics
Classification: Uncertain significance for Inborn genetic diseases. Last evaluated: 2024-05-19. Review status: criteria provided, single submitter. Criteria: Ambry Variant Classification Scheme 2023. Collection method: clinical testing. Allele origin: germline.
Comment: The p.V206G variant (also known as c.617T>G), located in coding exon 1 of the SMAD6 gene, results from a T to G substitution at nucleotide position 617. The valine at codon 206 is replaced by glycine, an amino acid with dissimilar properties. This amino acid position is conserved. In addition, this alteration is predicted to be deleterious by in silico analysis. Based on the available evidence, the clinical significance of this variant remains unclear.

NM_005585.5(SMAD6):c.617T>G (p.Val206Gly)

Gene: SMAD6 (SMAD family member 6; plus strand). Cytogenetic location: 15q22.31.
Variant type: single nucleotide variant.
Coding change: c.617T>G on transcript NM_005585.5 (MANE Select); coding-DNA position 617, T replaced by G.
Protein change: p.Val206Gly; replaces valine 206 with glycine.
Molecular consequence: missense variant. On other transcripts: non-coding transcript variant (1).
Genome position (GRCh38, 1-based): chr15:66,703,875, T>G. VCF-style: chr15-66703875-T-G. GRCh37 (hg19) VCF-style: chr15-66996213-T-G.
Other names: short protein forms V206G.
Identifiers: ClinVar variation 3320640 (VCV003320640.1).